The following is an entry in ClinVar:

ClinVar aggregate classification (germline): Uncertain significance. Review status: criteria provided, single submitter (1 of 4 stars). 2 submissions from 2 submitters: Uncertain significance (1). 1 of the submissions does not count toward it. Last evaluated 2023-08-01.

Conditions:
Cystic fibrosis (CF). Also called: MUCOVISCIDOSIS. Identifiers: Orphanet 586, MedGen C0010674, MONDO:0009061, OMIM 219700. Disease mechanism: loss of function.

Allele frequency attached by ClinVar (database versions not stated): gnomAD exomes below 0.00001.
gnomAD v4.1: 5 of 1,614,018 alleles (0.00031%); highest among the groups gnomAD compares: Middle Eastern, 0.016%; no homozygotes.

Submissions (2):

Women's Health and Genetics/Laboratory Corporation of America, LabCorp
Classification: Uncertain significance. Last evaluated: 2023-08-01. Review status: criteria provided, single submitter. Criteria: LabCorp Variant Classification Summary - May 2015. Collection method: clinical testing. Allele origin: germline.
Comment: Variant summary: CFTR c.2845C>T (p.His949Tyr) results in a conservative amino acid change located in the transmembrane domain (IPR011527) of the encoded protein sequence. Four of five in-silico tools predict a damaging effect of the variant on protein function. The variant allele was found at a frequency of 4e-06 in 251372 control chromosomes (gnomAD). The available data on variant occurrences in the general population are insufficient to allow any conclusion about variant significance. c.2845C>T has been reported in the literature as a non-informative genotype in presumed compound heterozygosity with a different variant of uncertain significance in an individual affected with disseminated bronchiectasis (Ghanem_1994 cited in Girodon_1997) and more has recently been reported to segregate with congenital unilateral absence of vase deferens (CUAVD) in a consanguineous Iranian family where it was observed as a compound heterozygous genotype with other variants whose pathogenicity has not been unequivocally established (namely p.Leu997Phe and p.Ile148Thr) (Ghouchanatigh_2022). The basis for pathogenicity prediction in this study was a predictive software program and the reported phenotype of CUAVD is not considered as informative for a CFTR-related disorder therefore has not been weighted in our ascertainment. Several publications report experimental evidence evaluating an impact on protein function, characterizing the variant as a partially processing-defective mutant that prolongs the duration of the channel open state and reduces bicarbonate (but not chloride) transport to 50-65% of wild-type activity (e.g., Seibert_1996, Chen_2000, Choi_2001). The exact in-vivo impact of these findings remains equivocal. The following publications have been ascertained in the context of this evaluation (PMID: 10736180, 11242048, 7522211, 34755701, 9272738, 8910333). No submitters have cited clinical-significance assessments for this variant to ClinVar after 2014. Based on the evidence outlined above, the variant was classified as uncertain significance.

OMIM
Classification: Pathogenic for CYSTIC FIBROSIS. Last evaluated: 1994-05-15. Review status: no assertion criteria provided. Collection method: literature only. Allele origin: germline. Not counted in ClinVar's aggregate classification.

Literature cited by the submitters: PubMed 7522211 (cited by Women's Health and Genetics/Laboratory Corporation of America, LabCorp and OMIM); PubMed 11242048 (cited by Women's Health and Genetics/Laboratory Corporation of America, LabCorp); PubMed 9272738 (cited by Women's Health and Genetics/Laboratory Corporation of America, LabCorp); PubMed 8910333 (cited by Women's Health and Genetics/Laboratory Corporation of America, LabCorp); PubMed 10736180 (cited by Women's Health and Genetics/Laboratory Corporation of America, LabCorp); PubMed 34755701 (cited by Women's Health and Genetics/Laboratory Corporation of America, LabCorp).

NM_000492.4(CFTR):c.2845C>T (p.His949Tyr)

Gene: CFTR (CF transmembrane conductance regulator; plus strand). Cytogenetic location: 7q31.2.
Variant type: single nucleotide variant.
Coding change: c.2845C>T on transcript NM_000492.4 (MANE Select); coding-DNA position 2845, C replaced by T.
Protein change: p.His949Tyr; replaces histidine 949 with tyrosine.
Molecular consequence: missense variant.
Genome position (GRCh38, 1-based): chr7:117,603,719, C>T. VCF-style: chr7-117603719-C-T. GRCh37 (hg19) VCF-style: chr7-117243773-C-T.
Other names: short protein forms H949Y.
Identifiers: ClinVar variation 7207 (VCV000007207.2), dbSNP rs121909035, ClinGen allele CA325595.